The following is an entry in ClinVar:

ClinVar aggregate classification (germline): Uncertain significance (1 of 4 stars; one submission).

Conditions:
Familial adenomatous polyposis 1 (FAP1). Also called: FAMILIAL ADENOMATOUS POLYPOSIS 1, ATTENUATED; POLYPOSIS, ADENOMATOUS INTESTINAL. Identifiers: MedGen C2713442, MONDO:0021056, OMIM 175100. Disease mechanism: loss of function.

Submission:

Labcorp Genetics (formerly Invitae), Labcorp
Classification: Uncertain significance for Familial adenomatous polyposis 1. Last evaluated: 2023-08-22. Review status: criteria provided, single submitter. Criteria: Invitae Variant Classification Sherloc (09022015). Collection method: clinical testing. Allele origin: germline.
Comment: In summary, the available evidence is currently insufficient to determine the role of this variant in disease. Therefore, it has been classified as a Variant of Uncertain Significance. An algorithm developed to predict the effect of missense changes on protein structure and function (PolyPhen-2) suggests that this variant is likely to be tolerated. This variant has not been reported in the literature in individuals affected with APC-related conditions. This variant is not present in population databases (gnomAD no frequency). This sequence change replaces methionine, which is neutral and non-polar, with isoleucine, which is neutral and non-polar, at codon 438 of the APC protein (p.Met438Ile).

NM_000038.6(APC):c.1314G>C (p.Met438Ile)

Gene: APC (APC regulator of Wnt signaling pathway; plus strand). Cytogenetic location: 5q22.2.
Variant type: single nucleotide variant.
Coding change: c.1314G>C on transcript NM_000038.6 (MANE Select); coding-DNA position 1314, G replaced by C.
Protein change: p.Met438Ile; replaces methionine 438 with isoleucine.
Molecular consequence: missense variant. On other transcripts: non-coding transcript variant (2).
Genome position (GRCh38, 1-based): chr5:112,821,897, G>C. VCF-style: chr5-112821897-G-C. GRCh37 (hg19) VCF-style: chr5-112157594-G-C.
Other names: c.1314G>C, p.Met438Ile (NM_001127510.3, NM_001354895.2, NM_001354896.2 and 4 more transcripts); c.1260G>C, p.Met420Ile (NM_001127511.3); c.1344G>C, p.Met448Ile (NM_001354897.2, NM_001407446.1); c.1239G>C, p.Met413Ile (NM_001354898.2, NM_001407451.1); c.1230G>C, p.Met410Ile (NM_001354899.2, NM_001407452.1); c.1137G>C, p.Met379Ile (NM_001354900.2, NM_001354901.2, NM_001407453.1); c.1041G>C, p.Met347Ile (NM_001354902.2); c.1011G>C, p.Met337Ile (NM_001354903.2, NM_001407454.1, NM_001407455.1 and 5 more transcripts); and 5 more; short protein forms M337I, M420I, M54I, M155I, M309I, M347I, M379I, M410I.
Identifiers: ClinVar variation 2749376 (VCV002749376.3), dbSNP rs2533105719, ClinGen allele CA16024183.
Genomic context (GRCh38, chr5:112,821,897, plus strand): 5'-AAACATCATTGCTCTTCAAATAACAAAGCATTATGGTTTATGTTGATTTTATTTTTCAGT[G>C]CCAGCTCCTGTTGAACATCAGATCTGTCCTGCTGTGTGTGTTCTAATGAAACTTTCATTT-3'
Protein context (NP_000029.2, residues 428-448): EPGMDQDKNP[Met438Ile]PAPVEHQICP